The following is an entry in ClinVar:

ClinVar aggregate classification (germline): Uncertain significance (1 of 4 stars; one submission).

Submission:

GeneDx
Classification: Uncertain significance. Last evaluated: 2024-10-02. Review status: criteria provided, single submitter. Criteria: GeneDx Variant Classification Process June 2021. Collection method: clinical testing. Allele origin: germline. Affected: yes.
Comment: Not observed at significant frequency in large population cohorts (gnomAD); In silico analysis supports that this missense variant has a deleterious effect on protein structure/function; Has not been previously published as pathogenic or benign to our knowledge; This substitution is predicted to be within the cytoplasmic loop between the second and third homologous domains

NM_001330260.2(SCN8A):c.3120G>C (p.Lys1040Asn)

Gene: SCN8A (sodium voltage-gated channel alpha subunit 8; plus strand). Cytogenetic location: 12q13.13.
Variant type: single nucleotide variant.
Coding change: c.3120G>C on transcript NM_001330260.2 (MANE Select); coding-DNA position 3120, G replaced by C.
Protein change: p.Lys1040Asn; replaces lysine 1040 with asparagine.
Molecular consequence: missense variant.
Genome position (GRCh38, 1-based): chr12:51,769,083, G>C. VCF-style: chr12-51769083-G-C. GRCh37 (hg19) VCF-style: chr12-52162867-G-C.
Other names: c.3120G>C, p.Lys1040Asn (NM_001177984.3, NM_001369788.1, NM_014191.4); short protein forms K1040N.
Identifiers: ClinVar variation 3776552 (VCV003776552.1).